The following is an entry in ClinVar:

NM_020738.4(KIDINS220):c.1585T>A (p.Ser529Thr)

Gene: KIDINS220 (kinase D interacting substrate 220; minus strand). Cytogenetic location: 2p25.1.
Variant type: single nucleotide variant.
Coding change: c.1585T>A on transcript NM_020738.4 (MANE Select); coding-DNA position 1585, T replaced by A.
Protein change: p.Ser529Thr; replaces serine 529 with threonine.
Molecular consequence: missense variant. On other transcripts: non-coding transcript variant (2).
Genome position (GRCh38, 1-based): chr2:8,789,916, A>T on the plus strand (T>A on the coding strand, the complement: KIDINS220 is on the minus strand). VCF-style: chr2-8789916-A-T. GRCh37 (hg19) VCF-style: chr2-8930046-A-T.
Other names: c.1588T>A, p.Ser530Thr (NM_001348729.2, NM_001348731.2, NM_001348734.2 and 3 more transcripts); c.1585T>A, p.Ser529Thr (NM_001348732.2, NM_001348735.2, NM_001348738.2 and 3 more transcripts); c.1459T>A, p.Ser487Thr (NM_001348736.2); short protein forms S529T, S530T, S487T.
Identifiers: ClinVar variation 1950057 (VCV001950057.6), dbSNP rs200569413, ClinGen allele CA1520153.
Genomic context (GRCh38, chr2:8,789,916, plus strand): 5'-AAAAGATAAAAAGCAAAGACTTACTAAAGAATATATATAAGAGAGCCAAGAAGCTCAGTG[A>T]CACTGCTATTCCAAGATTTGGGTGGACCGTGAAGGCAAACAATAAACCAAGCCCTCCACA-3'
Protein context (NP_065789.1, residues 519-539): TVHPNLGIAV[Ser529Thr]LSFLALLYIF

ClinVar aggregate classification (germline): Uncertain significance. Review status: criteria provided, multiple submitters, no conflicts (2 of 4 stars). 2 submissions from 2 submitters: Uncertain significance (2). Last evaluated 2022-03-10.

Conditions:
Inborn genetic diseases. Identifiers: MedGen C0950123, MeSH D030342.

Allele frequency attached by ClinVar (database versions not stated): TOPMed below 0.00001; ExAC 0.00001; gnomAD exomes 0.00001.
gnomAD v4.1: 5 of 1,612,908 alleles (0.00031%); highest among the groups gnomAD compares: Middle Eastern, 0.017%; no homozygotes.

Submissions (2):

Labcorp Genetics (formerly Invitae), Labcorp
Classification: Uncertain significance. Last evaluated: 2022-03-10. Review status: criteria provided, single submitter. Criteria: Invitae Variant Classification Sherloc (09022015). Collection method: clinical testing. Allele origin: germline.
Comment: This sequence change replaces serine, which is neutral and polar, with threonine, which is neutral and polar, at codon 529 of the KIDINS220 protein (p.Ser529Thr). This variant is present in population databases (rs200569413, gnomAD 0.002%). This missense change has been observed in individual(s) with clinical features of hereditary spastic paraplegia (Invitae). Algorithms developed to predict the effect of missense changes on protein structure and function are either unavailable or do not agree on the potential impact of this missense change (SIFT: "Deleterious"; PolyPhen-2: "Possibly Damaging"; Align-GVGD: "Class C0"). In summary, the available evidence is currently insufficient to determine the role of this variant in disease. Therefore, it has been classified as a Variant of Uncertain Significance.

Ambry Genetics
Classification: Uncertain significance for Inborn genetic diseases. Last evaluated: 2021-08-02. Review status: criteria provided, single submitter. Criteria: Ambry Variant Classification Scheme 2023. Collection method: clinical testing. Allele origin: germline.